The following is an entry in ClinVar:

NM_001035.3(RYR2):c.2907-1G>A

Gene: RYR2 (ryanodine receptor 2; plus strand). Cytogenetic location: 1q43.
Variant type: single nucleotide variant.
Coding change: c.2907-1G>A on transcript NM_001035.3 (MANE Select); the canonical splice acceptor site of the intron before coding-DNA position 2907, G replaced by A.
Molecular consequence: splice acceptor variant.
Genome position (GRCh38, 1-based): chr1:237,548,430, G>A. VCF-style: chr1-237548430-G-A. GRCh37 (hg19) VCF-style: chr1-237711730-G-A.
Other names: c.2907-1G>A (NM_001035.2).
Identifiers: ClinVar variation 1424858 (VCV001424858.8), dbSNP rs111843122, ClinGen allele CA39810834.

ClinVar aggregate classification (germline): Uncertain significance. Review status: criteria provided, multiple submitters, no conflicts (2 of 4 stars). 2 submissions from 2 submitters: Uncertain significance (2). Last evaluated 2024-08-13.

Conditions:
Catecholaminergic polymorphic ventricular tachycardia 1. Also called: VENTRICULAR TACHYCARDIA, CATECHOLAMINERGIC POLYMORPHIC, 1, WITH OR WITHOUT ATRIAL DYSFUNCTION AND/OR DILATED CARDIOMYOPATHY; RYR2-Related Catecholaminergic Polymorphic Ventricular Tachycardia; VENTRICULAR TACHYCARDIA, STRESS-INDUCED POLYMORPHIC 1. Identifiers: Orphanet 3286, MedGen C1631597, MONDO:0011484, OMIM 604772.
Cardiovascular phenotype. Identifiers: MedGen CN230736.

Submissions (2):

Labcorp Genetics (formerly Invitae), Labcorp
Classification: Uncertain significance for Catecholaminergic polymorphic ventricular tachycardia 1. Last evaluated: 2024-08-13. Review status: criteria provided, single submitter. Criteria: Invitae Variant Classification Sherloc (09022015). Collection method: clinical testing. Allele origin: germline.
Comment: This sequence change affects an acceptor splice site in intron 25 of the RYR2 gene. It is expected to disrupt RNA splicing. Variants that disrupt the donor or acceptor splice site typically lead to a loss of protein function (PMID: 16199547), however the current clinical and genetic evidence is not sufficient to establish whether loss-of-function variants in RYR2 cause disease. This variant is not present in population databases (gnomAD no frequency). This variant has not been reported in the literature in individuals affected with RYR2-related conditions. ClinVar contains an entry for this variant (Variation ID: 1424858). Algorithms developed to predict the effect of sequence changes on RNA splicing suggest that this variant may disrupt the consensus splice site. In summary, the available evidence is currently insufficient to determine the role of this variant in disease. Therefore, it has been classified as a Variant of Uncertain Significance.

Ambry Genetics
Classification: Uncertain significance for Cardiovascular phenotype. Last evaluated: 2024-04-06. Review status: criteria provided, single submitter. Criteria: Ambry Variant Classification Scheme 2023. Collection method: clinical testing. Allele origin: germline.
Comment: The c.2907-1G>A intronic variant results from a G to A substitution one nucleotide upstream from coding exon 26 of the RYR2 gene. This nucleotide position is highly conserved in available vertebrate species. In silico splice site analysis predicts that this alteration will weaken the native splice acceptor site and will result in the creation or strengthening of a novel splice acceptor site. Alterations that disrupt the canonical splice site are expected to cause aberrant splicing, resulting in an abnormal protein or a transcript that is subject to nonsense-mediated mRNA decay. However, loss of function of RYR2 has not been established as a mechanism of disease. Based on the available evidence, the clinical significance of this alteration remains unclear.

Literature cited by the submitters: PubMed 16199547 (cited by Labcorp Genetics (formerly Invitae), Labcorp).